The following is an entry in ClinVar:

ClinVar aggregate classification (germline): Uncertain significance (1 of 4 stars; one submission).

Submission:

GeneDx
Classification: Uncertain significance. Last evaluated: 2026-04-01. Review status: criteria provided, single submitter. Criteria: GeneDx Variant Classification Process June 2021. Collection method: clinical testing. Allele origin: germline.
Comment: Not observed at significant frequency in large population cohorts (gnomAD); In-frame deletion of 2 amino acid(s) and insertion of 2 different amino acid(s) in a non-repeat region; In silico analysis supports a deleterious effect on protein structure/function; Has not been previously published as pathogenic or benign to our knowledge

NM_004385.5(VCAN):c.10181_10183delinsTGT (p.Ser3394_Arg3395delinsLeuTrp)

Gene: VCAN (versican; plus strand). Cytogenetic location: 5q14.3.
Variant type: Indel.
Coding change: c.10181_10183delinsTGT on transcript NM_004385.5 (MANE Select); coding-DNA positions 10181 to 10183, CGA replaced by TGT.
Protein change: p.Ser3394_Arg3395delinsLeuTrp.
Molecular consequence: missense variant.
Genome position (GRCh38, 1-based): chr5:83,580,424-83,580,426, CGA replaced by TGT. VCF-style: chr5-83580424-CGA-TGT. GRCh37 (hg19) VCF-style: chr5-82876243-CGA-TGT.
Other names: c.1958_1960delinsTGT, p.Ser653_Arg654delinsLeuTrp (NM_001126336.3); c.7220_7222delinsTGT, p.Ser2407_Arg2408delinsLeuTrp (NM_001164097.2); c.4919_4921delinsTGT, p.Ser1640_Arg1641delinsLeuTrp (NM_001164098.2).
Identifiers: ClinVar variation 5018142 (VCV005018142.1).